The following is an entry in ClinVar:

ClinVar aggregate classification (germline): Uncertain significance (1 of 4 stars; one submission).

Submission:

Labcorp Genetics (formerly Invitae), Labcorp
Classification: Uncertain significance. Last evaluated: 2023-12-28. Review status: criteria provided, single submitter. Criteria: Invitae Variant Classification Sherloc (09022015). Collection method: clinical testing. Allele origin: germline.
Comment: This sequence change replaces glutamic acid, which is acidic and polar, with alanine, which is neutral and non-polar, at codon 1777 of the SPTB protein (p.Glu1777Ala). This variant is not present in population databases (gnomAD no frequency). This variant has not been reported in the literature in individuals affected with SPTB-related conditions. An algorithm developed to predict the effect of missense changes on protein structure and function (PolyPhen-2) suggests that this variant is likely to be disruptive. In summary, the available evidence is currently insufficient to determine the role of this variant in disease. Therefore, it has been classified as a Variant of Uncertain Significance.

NM_001355436.2(SPTB):c.5330A>C (p.Glu1777Ala)

Gene: SPTB (spectrin beta, erythrocytic; minus strand). Cytogenetic location: 14q23.3.
Variant type: single nucleotide variant.
Coding change: c.5330A>C on transcript NM_001355436.2 (MANE Select); coding-DNA position 5330, A replaced by C.
Protein change: p.Glu1777Ala; replaces glutamic acid 1777 with alanine.
Molecular consequence: missense variant.
Genome position (GRCh38, 1-based): chr14:64,772,803, T>G on the plus strand (A>C on the coding strand, the complement: SPTB is on the minus strand). VCF-style: chr14-64772803-T-G. GRCh37 (hg19) VCF-style: chr14-65239521-T-G.
Other names: c.5330A>C, p.Glu1777Ala (NM_001024858.4, NM_001355437.2); short protein forms E1777A.
Identifiers: ClinVar variation 2706170 (VCV002706170.3), dbSNP rs2503056951, ClinGen allele CA390041162.
Genomic context (GRCh38, chr14:64,772,803, plus strand): 5'-TAGGAGGCGGCCAGCAGCTGCATGCGCGTGTCAATGAGCTCCAGGAGGTCTGCCCACATC[T>G]CGTTCAGCCCGTCCTTCCACTCGGCGATGGTGGCCGCCTCGCTGTGGCCCGCGTCGATGA-3'
Protein context (NP_001342365.1, residues 1767-1787): TIAEWKDGLN[Glu1777Ala]MWADLLELID